The following is an entry in ClinVar:

ClinVar aggregate classification (germline): Uncertain significance. Review status: criteria provided, multiple submitters, no conflicts (2 of 4 stars). 3 submissions from 3 submitters: Uncertain significance (3). Last evaluated 2026-03-23.

Conditions:
Familial thoracic aortic aneurysm and aortic dissection (TAAD). Also called: Thoracic aortic aneurysms and dissections. Identifiers: Orphanet 91387, MedGen C4707243, MONDO:0019625.
Ehlers-Danlos syndrome, type 4 (EDSVASC). Also called: Ehlers-Danlos Syndrome Type IV; Ehlers-Danlos syndrome vascular type; Ehlers Danlos syndrome, ecchymotic type; Ehlers Danlos syndrome, arterial type; Ehlers Danlos syndrome, Sack-Barabas type. Identifiers: Orphanet 286, MedGen C0268338, MONDO:0017314, OMIM 130050.

gnomAD v4.1: 5 of 1,613,422 alleles (0.00031%); highest among the groups gnomAD compares: Non-Finnish European, 0.00042%; no homozygotes.

Submissions (3):

Ambry Genetics
Classification: Uncertain significance for Familial thoracic aortic aneurysm and aortic dissection. Last evaluated: 2026-03-23. Review status: criteria provided, single submitter. Criteria: Ambry Variant Classification Scheme 2023. Collection method: clinical testing. Allele origin: germline.
Comment: The p.P625A variant (also known as c.1873C>G), located in coding exon 27 of the COL3A1 gene, results from a C to G substitution at nucleotide position 1873. The proline at codon 625 is replaced by alanine, an amino acid with highly similar properties. This amino acid position is conserved. In addition, this alteration is predicted to be tolerated by in silico analysis. Based on the available evidence, the clinical significance of this variant remains unclear.

Labcorp Genetics (formerly Invitae), Labcorp
Classification: Uncertain significance for Ehlers-Danlos syndrome, type 4. Last evaluated: 2025-12-08. Review status: criteria provided, single submitter. Criteria: Invitae Variant Classification Sherloc (09022015). Collection method: clinical testing. Allele origin: germline.
Comment: This sequence change replaces proline, which is neutral and non-polar, with alanine, which is neutral and non-polar, at codon 625 of the COL3A1 protein (p.Pro625Ala). This variant is not present in population databases (gnomAD no frequency). This variant has not been reported in the literature in individuals affected with COL3A1-related conditions. ClinVar contains an entry for this variant (Variation ID: 2727178). Invitae Evidence Modeling of protein sequence and biophysical properties (such as structural, functional, and spatial information, amino acid conservation, physicochemical variation, residue mobility, and thermodynamic stability) indicates that this missense variant is not expected to disrupt COL3A1 protein function with a negative predictive value of 95%. In summary, the available evidence is currently insufficient to determine the role of this variant in disease. Therefore, it has been classified as a Variant of Uncertain Significance.

Color Diagnostics, LLC DBA Color Health
Classification: Uncertain significance for Familial thoracic aortic aneurysm and aortic dissection. Last evaluated: 2025-07-07. Review status: criteria provided, single submitter. Criteria: ACMG Guidelines, 2015. Collection method: clinical testing. Allele origin: germline.
Comment: This missense variant replaces proline with alanine at codon 625 of the COL3A1 protein. Computational prediction suggests that this variant may not impact protein structure and function. To our knowledge, functional studies have not been reported for this variant. This variant has not been reported in individuals affected with COL3A1-related disorders in the literature. This variant has not been identified in the general population by the Genome Aggregation Database (gnomAD). The available evidence is insufficient to determine the role of this variant in disease conclusively. Therefore, this variant is classified as a Variant of Uncertain Significance.

NM_000090.4(COL3A1):c.1873C>G (p.Pro625Ala)

Gene: COL3A1 (collagen type III alpha 1 chain; plus strand). Cytogenetic location: 2q32.2.
Variant type: single nucleotide variant.
Coding change: c.1873C>G on transcript NM_000090.4 (MANE Select); coding-DNA position 1873, C replaced by G.
Protein change: p.Pro625Ala; replaces proline 625 with alanine.
Molecular consequence: missense variant.
Genome position (GRCh38, 1-based): chr2:188,997,703, C>G. VCF-style: chr2-188997703-C-G. GRCh37 (hg19) VCF-style: chr2-189862429-C-G.
Other names: short protein forms P625A.
Identifiers: ClinVar variation 2727178 (VCV002727178.5), dbSNP rs747419192, ClinGen allele CA349853652.